The following is an entry in ClinVar:

NM_002691.4(POLD1):c.2992A>G (p.Lys998Glu)

Gene: POLD1 (DNA polymerase delta 1, catalytic subunit; plus strand). Cytogenetic location: 19q13.33.
Variant type: single nucleotide variant.
Coding change: c.2992A>G on transcript NM_002691.4 (MANE Select); coding-DNA position 2992, A replaced by G.
Protein change: p.Lys998Glu; replaces lysine 998 with glutamic acid.
Molecular consequence: missense variant. On other transcripts: non-coding transcript variant (1).
Genome position (GRCh38, 1-based): chr19:50,416,648, A>G. VCF-style: chr19-50416648-A-G. GRCh37 (hg19) VCF-style: chr19-50919905-A-G.
Other names: c.2992A>G, p.Lys998Glu (NM_001256849.1); c.3070A>G, p.Lys1024Glu (NM_001308632.1); c.2992A>G (NM_002691.2); short protein forms K1024E, K998E.
Identifiers: ClinVar variation 1390935 (VCV001390935.9), dbSNP rs2122496486, ClinGen allele CA406986880.

ClinVar aggregate classification (germline): Uncertain significance. Review status: criteria provided, multiple submitters, no conflicts (2 of 4 stars). 2 submissions from 2 submitters: Uncertain significance (2). Last evaluated 2025-06-22.

Conditions:
POLD1-related polyposis and colorectal cancer syndrome (CRCS10). Also called: Colorectal cancer, susceptibility to, 10; Colorectal cancer 10; COLORECTAL CANCER, SUSCEPTIBILITY TO, ON CHROMOSOME 19q. Identifiers: Orphanet 220460, MedGen C2675481, MONDO:0012953, OMIM 612591.
Hereditary cancer-predisposing syndrome. Also called: Tumor predisposition; Hereditary Cancer Syndrome; Hereditary neoplastic syndrome; Neoplastic Syndromes, Hereditary. Identifiers: Orphanet 140162, MedGen C0027672, MeSH D009386, MONDO:0015356.

Allele frequency attached by ClinVar (database versions not stated): gnomAD exomes below 0.00001.
gnomAD v4.1: 1 of 1,565,288 alleles (0.000064%); highest among the groups gnomAD compares: Admixed American, 0.0019%; no homozygotes.

Submissions (2):

Labcorp Genetics (formerly Invitae), Labcorp
Classification: Uncertain significance for POLD1-related polyposis and colorectal cancer syndrome. Last evaluated: 2025-06-22. Review status: criteria provided, single submitter. Criteria: Invitae Variant Classification Sherloc (09022015). Collection method: clinical testing. Allele origin: germline.
Comment: This sequence change replaces lysine, which is basic and polar, with glutamic acid, which is acidic and polar, at codon 998 of the POLD1 protein (p.Lys998Glu). This variant is not present in population databases (gnomAD no frequency). This variant has not been reported in the literature in individuals affected with POLD1-related conditions. ClinVar contains an entry for this variant (Variation ID: 1390935). Invitae Evidence Modeling of protein sequence and biophysical properties (such as structural, functional, and spatial information, amino acid conservation, physicochemical variation, residue mobility, and thermodynamic stability) has been performed for this missense variant. However, the output from this modeling did not meet the statistical confidence thresholds required to predict the impact of this variant on POLD1 protein function. In summary, the available evidence is currently insufficient to determine the role of this variant in disease. Therefore, it has been classified as a Variant of Uncertain Significance.

Ambry Genetics
Classification: Uncertain significance for Hereditary cancer-predisposing syndrome. Last evaluated: 2024-12-30. Review status: criteria provided, single submitter. Criteria: Ambry Variant Classification Scheme 2023. Collection method: clinical testing. Allele origin: germline.